The following is an entry in ClinVar:

ClinVar aggregate classification (germline): Likely benign. Review status: criteria provided, multiple submitters, no conflicts (2 of 4 stars). 3 submissions from 3 submitters: Likely benign (2). 1 of the submissions does not count toward it. Last evaluated 2025-09-24.

Conditions:
ANK3-related disorder. Also called: ANK3-related condition.

Allele frequency attached by ClinVar (database versions not stated): gnomAD exomes 0.00014; ExAC 0.00017; 1000 Genomes Project 30x 0.00047; gnomAD 0.00048 and 0.00050; 1000 Genomes Project 0.00060; TOPMed 0.00061; ESP Exome Variant Server 0.00077.
gnomAD v4.1: 143 of 1,614,104 alleles (0.0089%); highest among the groups gnomAD compares: African/African-American, 0.17%; no homozygotes.

Submissions (3):

Labcorp Genetics (formerly Invitae), Labcorp
Classification: Likely benign. Last evaluated: 2025-09-24. Review status: criteria provided, single submitter. Criteria: Invitae Variant Classification Sherloc (09022015). Collection method: clinical testing. Allele origin: germline.

Blueprint Genetics
Classification: Likely benign. Last evaluated: 2024-09-18. Review status: criteria provided, single submitter. Criteria: ACMG Guidelines, 2015. Collection method: clinical testing. Allele origin: germline.

PreventionGenetics, part of Exact Sciences
Classification: Likely benign for ANK3-related condition. Last evaluated: 2019-06-11. Review status: no assertion criteria provided. Collection method: clinical testing. Allele origin: germline. Not counted in ClinVar's aggregate classification.
Comment: This variant is classified as likely benign based on ACMG/AMP sequence variant interpretation guidelines (Richards et al. 2015 PMID: 25741868, with internal and published modifications).

NM_020987.5(ANK3):c.7803G>A (p.Lys2601=)

Gene: ANK3 (ankyrin 3; minus strand). Cytogenetic location: 10q21.2.
Variant type: single nucleotide variant.
Coding change: c.7803G>A on transcript NM_020987.5 (MANE Select); coding-DNA position 7803, G replaced by A.
Protein change: p.Lys2601=; no amino-acid change (lysine 2601 retained).
Molecular consequence: synonymous variant. On other transcripts: intron variant (4).
Genome position (GRCh38, 1-based): chr10:60,073,078, C>T on the plus strand (G>A on the coding strand, the complement: ANK3 is on the minus strand). VCF-style: chr10-60073078-C-T. GRCh37 (hg19) VCF-style: chr10-61832836-C-T.
Other names: c.4388-5069G>A (NM_001204403.2); c.4409-5069G>A (NM_001204404.2); c.4406-5069G>A (NM_001320874.2); c.1808-5069G>A (NM_001149.4).
Identifiers: ClinVar variation 720444 (VCV000720444.12), dbSNP rs151064913, ClinGen allele CA5511664.
Genomic context (GRCh38, chr10:60,073,078, plus strand): 5'-ATATTCTTTGCCATTTTTAGGGCGTGCCTTTTTCTCTGGGGACTGCAGTTCATCATTTAG[C>T]TTTTCAGTTTTGTCACGAAAAAACTGTGACACTTCAGTCAGTTTTTCTTCAGCCTCCTTC-3'
Protein context (NP_066267.2, residues 2591-2611): VSQFFRDKTE[Lys2601=]LNDELQSPEK